The following is an entry in ClinVar:

NC_000020.10:g.(?_33222399)_(33222539_?)del

Gene: PIGU (phosphatidylinositol glycan anchor biosynthesis class U; minus strand). Cytogenetic location: 20q11.22.
Variant type: Deletion.
Identifiers: ClinVar variation 2427181 (VCV002427181.4).

ClinVar aggregate classification (germline): Uncertain significance (1 of 4 stars; one submission).

Submission:

Labcorp Genetics (formerly Invitae), Labcorp
Classification: Uncertain significance. Last evaluated: 2022-09-13. Review status: criteria provided, single submitter. Criteria: Invitae Variant Classification Sherloc (09022015). Collection method: clinical testing. Allele origin: germline.
Comment: In summary, the available evidence is currently insufficient to determine the role of this variant in disease. Therefore, it has been classified as a Variant of Uncertain Significance. This variant has not been reported in the literature in individuals affected with PIGU-related conditions. This variant is a gross deletion of the genomic region encompassing exon(s) 6 of the PIGU gene. This deletion is out-of-frame, and is expected to create a premature translational stop signal and result in an absent or disrupted protein product. However, the current clinical and genetic evidence is not sufficient to establish whether loss-of-function variants in PIGU cause disease.